The following is an entry in ClinVar:

ClinVar aggregate classification (germline): Uncertain significance. Review status: criteria provided, multiple submitters, no conflicts (2 of 4 stars). 4 submissions from 4 submitters: Uncertain significance (4). Last evaluated 2026-07-07.

Conditions:
Cardiomyopathy (CMYO). Also called: Cardiomyopathies. Identifiers: Orphanet 167848, MedGen C0878544, MONDO:0004994, HP:0001638. Inheritance: Various modes of inheritance.
Dilated cardiomyopathy 1DD (CMD1DD). Identifiers: Orphanet 154, MedGen C2750995, MONDO:0013168, OMIM 613172.

Allele frequency attached by ClinVar (database versions not stated): gnomAD exomes below 0.00001; TOPMed 0.00001; gnomAD 0.00001.
gnomAD v4.1: 3 of 1,551,582 alleles (0.00019%); highest among the groups gnomAD compares: Non-Finnish European, 0.00026%; no homozygotes.

Submissions (4):

Victorian Clinical Genetics Services, Murdoch Childrens Research Institute
Classification: Uncertain significance for Dilated cardiomyopathy 1DD. Last evaluated: 2026-07-07. Review status: criteria provided, single submitter. Criteria: ACMG Guidelines, 2015. Collection method: clinical testing. Allele origin: germline. Affected: yes.
Comment: This variant is classified as VUS-3B. Evidence in support of pathogenic classification: This variant is present in gnomAD <0.001 for a dominant condition (v4: 3 heterozygote(s), 0 homozygote(s)). Additional information: This variant is predicted to result in a missense amino acid change from Arg to Lys; This variant is heterozygous; This gene is associated with autosomal dominant disease; Alternative amino acid change(s) at the same position are present in gnomAD (highest allele count: v4: 4 heterozygote(s), 0 homozygote(s)); Previous evidence of pathogenicity for this variant is inconclusive. This variant has been classified as VUS by clinical laboratories in ClinVar and reported in the literature in a DCM cohort, however variants in other genes were also reported in this individual (PMIDs: 27532257, 24503780). NB: The individual reported in ClinVar by Labcorp Genetics is likely the proband of this family; No published evidence of segregation with disease has been identified for this variant; No published functional evidence has been identified for this variant; Other variants comparable to the one identified in this case have conflicting previous evidence for pathogenicity. The p.(Arg703Gly) and p.(Arg703Ser) variants have been classified as VUS or likely benign by clinical laboratories in ClinVar. In addition, the p.(Arg703Ser) variant has been reported in the literature in a DCM cohort (PMID: 22004663) and reported as heterozygous in a family with HCM (PMID: 34333030); Variant is not located in an established domain, motif, hotspot or informative constraint region; Missense variant with inconclusive in silico prediction(s) and/or uninformative conservation; Loss of function is a likely mechanism of disease in this gene and is associated with dilated cardiomyopathy 1DD (MIM#613172) (PMIDs: 27496873, 34575212). A dominant negative mechanism for variants located in the hotspot region affecting residues between 630 and 640 has been suggested (PMIDs: 32187365, 29895960). Haploinsufficiency has been reported for a single missense variant (PMID: 32840935). Gain of function has also been suggested (PMID: 34575212); Inheritance information for this variant is not currently available in this individual.

Labcorp Genetics (formerly Invitae), Labcorp
Classification: Uncertain significance for Dilated cardiomyopathy 1DD. Last evaluated: 2022-12-14. Review status: criteria provided, single submitter. Criteria: Invitae Variant Classification Sherloc (09022015). Collection method: clinical testing. Allele origin: germline.
Comment: This missense change has been observed in individual(s) with dilated cardiomyopathy (PMID: 24503780, 27532257). In summary, the available evidence is currently insufficient to determine the role of this variant in disease. Therefore, it has been classified as a Variant of Uncertain Significance. Advanced modeling of protein sequence and biophysical properties (such as structural, functional, and spatial information, amino acid conservation, physicochemical variation, residue mobility, and thermodynamic stability) performed at Invitae indicates that this missense variant is not expected to disrupt RBM20 protein function. ClinVar contains an entry for this variant (Variation ID: 43985). This variant is present in population databases (rs397516600, gnomAD 0.007%). This sequence change replaces arginine, which is basic and polar, with lysine, which is basic and polar, at codon 703 of the RBM20 protein (p.Arg703Lys).

CHEO Genetics Diagnostic Laboratory, Children's Hospital of Eastern Ontario
Classification: Uncertain significance for Cardiomyopathy. Last evaluated: 2021-10-01. Review status: criteria provided, single submitter. Criteria: ACMG Guidelines, 2015. Collection method: clinical testing. Allele origin: germline.

Laboratory for Molecular Medicine, Mass General Brigham Personalized Medicine
Classification: Uncertain significance. Last evaluated: 2012-05-09. Review status: criteria provided, single submitter. Criteria: LMM Criteria. Collection method: clinical testing. Allele origin: germline. Observed: 1 variant allele.
Comment: Variant classified as Uncertain Significance - Favor Pathogenic. The Arg703Lys v ariant in RBM20 has not been reported in the literature nor previously identifie d by our laboratory. This variant has also not been identified in a large and br oad population by the NHLBI Exome Sequencing Project (du/EVS). This low frequency is consistent with a disease causing role, but insuf ficient to establish this with confidence. In addition, this variant lies within exon 9, which encodes a conserved protein domain where other pathogenic variant s have been reported (Brauch 2009, Li 2010). Collectively, this data suggests that t he Arg703Lys variant may be pathogenic but additional studies are needed to full y assess its clinical significance.

Literature cited by the submitters: PubMed 22004663 (cited by Victorian Clinical Genetics Services, Murdoch Childrens Research Institute and Laboratory for Molecular Medicine, Mass General Brigham Personalized Medicine); PubMed 27532257 (cited by Victorian Clinical Genetics Services, Murdoch Childrens Research Institute and Labcorp Genetics (formerly Invitae), Labcorp); PubMed 24503780 (cited by Victorian Clinical Genetics Services, Murdoch Childrens Research Institute and Labcorp Genetics (formerly Invitae), Labcorp); PubMed 27496873 (cited by Victorian Clinical Genetics Services, Murdoch Childrens Research Institute); PubMed 32187365 (cited by Victorian Clinical Genetics Services, Murdoch Childrens Research Institute); PubMed 29895960 (cited by Victorian Clinical Genetics Services, Murdoch Childrens Research Institute); PubMed 32840935 (cited by Victorian Clinical Genetics Services, Murdoch Childrens Research Institute); PubMed 34333030 (cited by Victorian Clinical Genetics Services, Murdoch Childrens Research Institute); PubMed 34575212 (cited by Victorian Clinical Genetics Services, Murdoch Childrens Research Institute); PubMed 20590677 (cited by Laboratory for Molecular Medicine, Mass General Brigham Personalized Medicine); PubMed 19712804 (cited by Laboratory for Molecular Medicine, Mass General Brigham Personalized Medicine).

NM_001134363.3(RBM20):c.2108G>A (p.Arg703Lys)

Gene: RBM20 (RNA binding motif protein 20; plus strand). Cytogenetic location: 10q25.2.
Variant type: single nucleotide variant.
Coding change: c.2108G>A on transcript NM_001134363.3 (MANE Select); coding-DNA position 2108, G replaced by A.
Protein change: p.Arg703Lys; replaces arginine 703 with lysine.
Molecular consequence: missense variant.
Genome position (GRCh38, 1-based): chr10:110,812,505, G>A. VCF-style: chr10-110812505-G-A. GRCh37 (hg19) VCF-style: chr10-112572263-G-A.
Other names: short protein forms R703K.
Identifiers: ClinVar variation 43985 (VCV000043985.12), dbSNP rs397516600, ClinGen allele CA133301.